The following is an entry in ClinVar:

NM_002471.4(MYH6):c.2079C>G (p.His693Gln)

Gene: MYH6 (myosin heavy chain 6; minus strand). Cytogenetic location: 14q11.2.
Variant type: single nucleotide variant.
Coding change: c.2079C>G on transcript NM_002471.4 (MANE Select); coding-DNA position 2079, C replaced by G.
Protein change: p.His693Gln; replaces histidine 693 with glutamine.
Molecular consequence: missense variant.
Genome position (GRCh38, 1-based): chr14:23,397,052, G>C on the plus strand (C>G on the coding strand, the complement: MYH6 is on the minus strand). VCF-style: chr14-23397052-G-C. GRCh37 (hg19) VCF-style: chr14-23866261-G-C.
Other names: short protein forms H693Q.
Identifiers: ClinVar variation 4921138 (VCV004921138.2).

ClinVar aggregate classification (germline): Uncertain significance. Review status: criteria provided, multiple submitters, no conflicts (2 of 4 stars). 2 submissions from 2 submitters: Uncertain significance (2). Last evaluated 2026-07-29.

Conditions:
Cardiovascular phenotype. Identifiers: MedGen CN230736.

Submissions (2):

Ambry Genetics
Classification: Uncertain significance for Cardiovascular phenotype. Last evaluated: 2026-07-29. Review status: criteria provided, single submitter. Criteria: Ambry Variant Classification Scheme 2023. Collection method: clinical testing. Allele origin: germline.
Comment: The p.H693Q variant (also known as c.2079C>G), located in coding exon 16 of the MYH6 gene, results from a C to G substitution at nucleotide position 2079. The histidine at codon 693 is replaced by glutamine, an amino acid with highly similar properties. This amino acid position is highly conserved in available vertebrate species. In addition, the in silico prediction for this alteration is inconclusive. Based on the available evidence, the clinical significance of this variant remains unclear.

Blueprint Genetics
Classification: Uncertain significance. Last evaluated: 2024-09-03. Review status: criteria provided, single submitter. Criteria: ACMG Guidelines, 2015. Collection method: clinical testing. Allele origin: germline.